The following is an entry in ClinVar:

NM_015335.5(MED13L):c.6348G>A (p.Ser2116=)

Gene: MED13L (mediator complex subunit 13L; minus strand). Cytogenetic location: 12q24.21.
Variant type: single nucleotide variant.
Coding change: c.6348G>A on transcript NM_015335.5 (MANE Select); coding-DNA position 6348, G replaced by A.
Protein change: p.Ser2116=; no amino-acid change (serine 2116 retained).
Molecular consequence: synonymous variant.
Genome position (GRCh38, 1-based): chr12:115,966,121, C>T on the plus strand (G>A on the coding strand, the complement: MED13L is on the minus strand). VCF-style: chr12-115966121-C-T. GRCh37 (hg19) VCF-style: chr12-116403926-C-T.
Identifiers: ClinVar variation 698812 (VCV000698812.12), dbSNP rs769874135, ClinGen allele CA6810397.
Genomic context (GRCh38, chr12:115,966,121, plus strand): 5'-CTAATATGACACCAAACCAACCTTTAAGAAGAGAGGGCACTGGTTTTGAGCCTGGGGACA[C>T]GATGACCAAAACCACTGGGGAAGATTCTCAGCTTTGGCAGTTGATACAAAATACCCAAGG-3'
Protein context (NP_056150.1, residues 2106-2126): AENLPQWFWS[Ser2116=]CPQAQNQCPL

ClinVar aggregate classification (germline): Likely benign. Review status: criteria provided, multiple submitters, no conflicts (2 of 4 stars). 4 submissions from 4 submitters: Likely benign (3). 1 of the submissions does not count toward it. Last evaluated 2026-05-01.

Conditions:
Dextro-looped transposition of the great arteries. Also called: Dextrotransposition of the great arteries. Identifiers: Orphanet 860, MedGen C3531771, MONDO:0019443, OMIM 608808, HP:0031348.
MED13L-related disorder. Also called: MED13L-related condition.

Allele frequency attached by ClinVar (database versions not stated): TOPMed 0.00003; gnomAD 0.00004.
gnomAD v4.1: 63 of 1,614,046 alleles (0.0039%); highest among the groups gnomAD compares: Admixed American, 0.015%; no homozygotes.

Submissions (4):

CeGaT Center for Human Genetics Tuebingen
Classification: Likely benign. Last evaluated: 2026-05-01. Review status: criteria provided, single submitter. Criteria: CeGaT Center For Human Genetics Tuebingen Variant Classification Criteria Version 2. Collection method: clinical testing. Allele origin: germline. Affected: yes. Observed: 2 variant alleles.
Comment: MED13L: BP4, BP7

Labcorp Genetics (formerly Invitae), Labcorp
Classification: Likely benign for Dextro-looped transposition of the great arteries. Last evaluated: 2024-10-01. Review status: criteria provided, single submitter. Criteria: Invitae Variant Classification Sherloc (09022015). Collection method: clinical testing. Allele origin: germline.

GeneDx
Classification: Likely benign. Last evaluated: 2021-03-10. Review status: criteria provided, single submitter. Criteria: GeneDx Variant Classification Process June 2021. Collection method: clinical testing. Allele origin: germline. Affected: yes.

PreventionGenetics, part of Exact Sciences
Classification: Likely benign for MED13L-related condition. Last evaluated: 2024-05-05. Review status: no assertion criteria provided. Collection method: clinical testing. Allele origin: germline. Not counted in ClinVar's aggregate classification.
Comment: This variant is classified as likely benign based on ACMG/AMP sequence variant interpretation guidelines (Richards et al. 2015 PMID: 25741868, with internal and published modifications).